The following is an entry in ClinVar:

ClinVar aggregate classification (germline): Uncertain significance (1 of 4 stars; one submission).

gnomAD v4.1: 48 of 1,613,882 alleles (0.003%); highest among the groups gnomAD compares: Middle Eastern, 0.033%; no homozygotes.

Submission:

Labcorp Genetics (formerly Invitae), Labcorp
Classification: Uncertain significance. Last evaluated: 2026-01-14. Review status: criteria provided, single submitter. Criteria: Invitae Variant Classification Sherloc (09022015). Collection method: clinical testing. Allele origin: germline.
Comment: This sequence change replaces arginine, which is basic and polar, with glutamine, which is neutral and polar, at codon 3338 of the VCAN protein (p.Arg3338Gln). This variant is present in population databases (rs754880024, gnomAD 0.008%). This variant has not been reported in the literature in individuals affected with VCAN-related conditions. An algorithm developed to predict the effect of missense changes on protein structure and function (PolyPhen-2) suggests that this variant is likely to be disruptive. In summary, the available evidence is currently insufficient to determine the role of this variant in disease. Therefore, it has been classified as a Variant of Uncertain Significance.

NM_004385.5(VCAN):c.10013G>A (p.Arg3338Gln)

Gene: VCAN (versican; plus strand). Cytogenetic location: 5q14.3.
Variant type: single nucleotide variant.
Coding change: c.10013G>A on transcript NM_004385.5 (MANE Select); coding-DNA position 10013, G replaced by A.
Protein change: p.Arg3338Gln; replaces arginine 3338 with glutamine.
Molecular consequence: missense variant.
Genome position (GRCh38, 1-based): chr5:83,580,112, G>A. VCF-style: chr5-83580112-G-A. GRCh37 (hg19) VCF-style: chr5-82875931-G-A.
Other names: c.1790G>A, p.Arg597Gln (NM_001126336.3); c.7052G>A, p.Arg2351Gln (NM_001164097.2); c.4751G>A, p.Arg1584Gln (NM_001164098.2); short protein forms R2351Q, R3338Q, R597Q, R1584Q.
Identifiers: ClinVar variation 4700923 (VCV004700923.1).
Genomic context (GRCh38, chr5:83,580,112, plus strand): 5'-ACTCCCTGATTAGATACCACTGCAAAGATGGTTTCATTCAACGTCACCTTCCAACTATCC[G>A]GTGCTTAGGAAATGGAAGATGGGCTATACCTAAAATTACCTGCATGAACCGTAAGTGGTC-3'
Protein context (NP_004376.2, residues 3328-3348): GFIQRHLPTI[Arg3338Gln]CLGNGRWAIP